The following is an entry in ClinVar:

NM_003745.2(SOCS1):c.630G>C (p.Gln210His)

Gene: SOCS1 (suppressor of cytokine signaling 1; minus strand). Cytogenetic location: 16p13.13.
Variant type: single nucleotide variant.
Coding change: c.630G>C on transcript NM_003745.2 (MANE Select); coding-DNA position 630, G replaced by C.
Protein change: p.Gln210His; replaces glutamine 210 with histidine.
Molecular consequence: missense variant.
Genome position (GRCh38, 1-based): chr16:11,254,849, C>G on the plus strand (G>C on the coding strand, the complement: SOCS1 is on the minus strand). VCF-style: chr16-11254849-C-G. GRCh37 (hg19) VCF-style: chr16-11348706-C-G.
Other names: short protein forms Q210H.
Identifiers: ClinVar variation 135275 (VCV000135275.34), dbSNP rs11549428, ClinGen allele CA162196.

ClinVar aggregate classification (germline): Benign/Likely benign. Review status: criteria provided, multiple submitters, no conflicts (2 of 4 stars). 4 submissions from 4 submitters: Benign (1); Likely benign (2). 1 of the submissions does not count toward it. Last evaluated 2026-09-01.

Allele frequency attached by ClinVar (database versions not stated): 1000 Genomes Project 0.00160; 1000 Genomes Project 30x 0.00187; gnomAD exomes 0.00498; gnomAD 0.00530 and 0.00560; TOPMed 0.00571; ExAC 0.00601; ESP Exome Variant Server 0.00642.
gnomAD v4.1: 13,083 of 1,478,218 alleles (0.89%); highest among the groups gnomAD compares: Non-Finnish European, 1.1%; 73 homozygotes.

Submissions (4):

CeGaT Center for Human Genetics Tuebingen
Classification: Benign. Last evaluated: 2026-09-01. Review status: criteria provided, single submitter. Criteria: CeGaT Center For Human Genetics Tuebingen Variant Classification Criteria Version 2. Collection method: clinical testing. Allele origin: germline. Affected: yes. Observed: 10 variant alleles.
Comment: SOCS1: BS1, BS2

Labcorp Genetics (formerly Invitae), Labcorp
Classification: Likely benign. Last evaluated: 2018-07-20. Review status: criteria provided, single submitter. Criteria: Invitae Variant Classification Sherloc (09022015). Collection method: clinical testing. Allele origin: germline.

Breakthrough Genomics
Classification: Likely benign. Review status: criteria provided, single submitter. Criteria: ACMG Guidelines, 2015. Collection method: not provided. Allele origin: germline. Inheritance: Autosomal dominant inheritance. Affected: yes.

ITMI
No classification provided. Condition: AllHighlyPenetrant. Last evaluated: 2013-09-19. Review status: no classification provided. Collection method: reference population. Allele origin: germline. Not counted in ClinVar's aggregate classification.
Comment: Please see associated publication for description of ethnicities

Literature cited by the submitters: PubMed 24728327 (cited by ITMI).